The following is an entry in ClinVar:

ClinVar aggregate classification (germline): Uncertain significance (1 of 4 stars; one submission).

Conditions:
3-methylglutaconic aciduria with deafness, encephalopathy, and Leigh-like syndrome (MEGDEL). Also called: 3-METHYLGLUTACONIC ACIDURIA, TYPE VI; SERAC1 Deficiency; MEGDEL syndrome. Identifiers: Orphanet 352328, MedGen C4040739, MONDO:0013875, OMIM 614739.

Allele frequency attached by ClinVar (database versions not stated): gnomAD 0.00001.

Submission:

Labcorp Genetics (formerly Invitae), Labcorp
Classification: Uncertain significance for 3-methylglutaconic aciduria with deafness, encephalopathy, and Leigh-like syndrome. Last evaluated: 2022-06-15. Review status: criteria provided, single submitter. Criteria: Invitae Variant Classification Sherloc (09022015). Collection method: clinical testing. Allele origin: germline.
Comment: Variants that disrupt the consensus splice site are a relatively common cause of aberrant splicing (PMID: 17576681, 9536098). Algorithms developed to predict the effect of sequence changes on RNA splicing suggest that this variant may disrupt the consensus splice site. This variant has not been reported in the literature in individuals affected with SERAC1-related conditions. This variant is present in population databases (rs760987565, gnomAD 0.009%). This sequence change falls in intron 14 of the SERAC1 gene. It does not directly change the encoded amino acid sequence of the SERAC1 protein. It affects a nucleotide within the consensus splice site. In summary, the available evidence is currently insufficient to determine the role of this variant in disease. Therefore, it has been classified as a Variant of Uncertain Significance.

Literature cited by the submitters: PubMed 17576681; PubMed 9536098.

NM_032861.4(SERAC1):c.1501+6T>G

Gene: SERAC1 (serine active site containing 1; minus strand). Cytogenetic location: 6q25.3.
Variant type: single nucleotide variant.
Coding change: c.1501+6T>G on transcript NM_032861.4 (MANE Select); 6 bases into the intron after coding-DNA position 1501, T replaced by G.
Molecular consequence: intron variant.
Genome position (GRCh38, 1-based): chr6:158,116,179, A>C on the plus strand (T>G on the coding strand, the complement: SERAC1 is on the minus strand). VCF-style: chr6-158116179-A-C. GRCh37 (hg19) VCF-style: chr6-158537211-A-C.
Identifiers: ClinVar variation 1471033 (VCV001471033.6), dbSNP rs760987565, ClinGen allele CA4071055.